The following is an entry in ClinVar:

NM_006147.4(IRF6):c.1060+2T>C

Gene: IRF6 (interferon regulatory factor 6; minus strand). Cytogenetic location: 1q32.2.
Variant type: single nucleotide variant.
Coding change: c.1060+2T>C on transcript NM_006147.4 (MANE Select); the canonical splice donor site of the intron after coding-DNA position 1060, T replaced by C.
Molecular consequence: splice donor variant.
Genome position (GRCh38, 1-based): chr1:209,790,493, A>G on the plus strand (T>C on the coding strand, the complement: IRF6 is on the minus strand). VCF-style: chr1-209790493-A-G. GRCh37 (hg19) VCF-style: chr1-209963838-A-G.
Other names: c.775+2T>C (NM_001206696.2).
Identifiers: ClinVar variation 3757279 (VCV003757279.2).

ClinVar aggregate classification (germline): Likely pathogenic (1 of 4 stars; one submission).

Conditions:
Orofacial cleft 6, susceptibility to (OFC6). Also called: CLEFT LIP WITH OR WITHOUT CLEFT PALATE, NONSYNDROMIC, 6. Identifiers: MedGen C1837213, MONDO:0012141, OMIM 608864.
Popliteal pterygium syndrome (PPS). Identifiers: Orphanet 294963, MedGen C0265259, MONDO:0017435.
Van der Woude syndrome. Identifiers: Orphanet 888, MedGen C0175697, MONDO:0019508.

Submission:

Labcorp Genetics (formerly Invitae), Labcorp
Classification: Likely pathogenic for Orofacial cleft 6, susceptibility to; Van der Woude syndrome; Popliteal pterygium syndrome. Last evaluated: 2024-07-17. Review status: criteria provided, single submitter. Criteria: Invitae Variant Classification Sherloc (09022015). Collection method: clinical testing. Allele origin: germline.
Comment: This sequence change affects a donor splice site in intron 7 of the IRF6 gene. It is expected to disrupt RNA splicing. Variants that disrupt the donor or acceptor splice site typically lead to a loss of protein function (PMID: 16199547), and loss-of-function variants in IRF6 are known to be pathogenic (PMID: 19282774, 23949966). This variant is not present in population databases (gnomAD no frequency). This variant has not been reported in the literature in individuals affected with IRF6-related conditions. Algorithms developed to predict the effect of sequence changes on RNA splicing suggest that this variant may disrupt the consensus splice site. In summary, the currently available evidence indicates that the variant is pathogenic, but additional data are needed to prove that conclusively. Therefore, this variant has been classified as Likely Pathogenic.

Literature cited by the submitters: PubMed 16199547; PubMed 19282774; PubMed 23949966.